The following is an entry in ClinVar:

ClinVar aggregate classification (germline): Uncertain significance (1 of 4 stars; one submission).

Allele frequency attached by ClinVar (database versions not stated): TOPMed below 0.00001; gnomAD 0.00001; gnomAD exomes 0.00001.
gnomAD v4.1: 10 of 1,613,936 alleles (0.00062%); highest among the groups gnomAD compares: Non-Finnish European, 0.00085%; no homozygotes.

Submission:

Ambry Genetics
Classification: Uncertain significance. Last evaluated: 2025-05-08. Review status: criteria provided, single submitter. Criteria: Ambry Variant Classification Scheme 2023. Collection method: clinical testing. Allele origin: germline.
Comment: The p.V982I variant (also known as c.2944G>A), located in coding exon 28 of the NEBL gene, results from a G to A substitution at nucleotide position 2944. The valine at codon 982 is replaced by isoleucine, an amino acid with highly similar properties. This amino acid position is conserved. In addition, this alteration is predicted to be tolerated by in silico analysis. Since supporting evidence is limited at this time, the clinical significance of this alteration remains unclear.

NM_006393.3(NEBL):c.2944G>A (p.Val982Ile)

Gene: NEBL (nebulette; minus strand). Cytogenetic location: 10p12.31.
Variant type: single nucleotide variant.
Coding change: c.2944G>A on transcript NM_006393.3 (MANE Select); coding-DNA position 2944, G replaced by A.
Protein change: p.Val982Ile; replaces valine 982 with isoleucine.
Molecular consequence: missense variant. On other transcripts: 3 prime UTR variant (1).
Genome position (GRCh38, 1-based): chr10:20,785,848, C>T on the plus strand (G>A on the coding strand, the complement: NEBL is on the minus strand). VCF-style: chr10-20785848-C-T. GRCh37 (hg19) VCF-style: chr10-21074777-C-T.
Other names: c.*35G>A (NM_001173484.2); c.805G>A, p.Val269Ile (NM_001377322.1); c.664G>A, p.Val222Ile (NM_001377323.1); c.655G>A, p.Val219Ile (NM_001377324.1); c.646G>A, p.Val216Ile (NM_001377325.1); c.604G>A, p.Val202Ile (NM_001377326.1, NM_001377327.1, NM_001377328.1); c.712G>A, p.Val238Ile (NM_213569.2); short protein forms V202I, V269I, V219I, V238I, V982I, V216I, V222I.
Identifiers: ClinVar variation 2561725 (VCV002561725.3), dbSNP rs867653069, ClinGen allele CA203251759.